The following is an entry in ClinVar:

NM_201384.3(PLEC):c.4328C>A (p.Ala1443Asp)

Gene: PLEC (plectin; minus strand). Cytogenetic location: 8q24.3.
Variant type: single nucleotide variant.
Coding change: c.4328C>A on transcript NM_201384.3 (MANE Select); coding-DNA position 4328, C replaced by A.
Protein change: p.Ala1443Asp; replaces alanine 1443 with aspartic acid.
Molecular consequence: missense variant.
Genome position (GRCh38, 1-based): chr8:143,925,601, G>T on the plus strand (C>A on the coding strand, the complement: PLEC is on the minus strand). VCF-style: chr8-143925601-G-T. GRCh37 (hg19) VCF-style: chr8-144999769-G-T.
Other names: c.4286C>A, p.Ala1429Asp (NM_201378.4); c.4262C>A, p.Ala1421Asp (NM_201379.3); c.4739C>A, p.Ala1580Asp (NM_201380.4); c.4232C>A, p.Ala1411Asp (NM_201381.3); c.4328C>A, p.Ala1443Asp (NM_201382.4); c.4340C>A, p.Ala1447Asp (NM_201383.3); c.4409C>A, p.Ala1470Asp (NM_000445.5); short protein forms A1443D, A1447D, A1411D, A1429D, A1580D, A1421D, A1470D.
Identifiers: ClinVar variation 1970349 (VCV001970349.5), dbSNP rs1554703347, ClinGen allele CA372557981.

ClinVar aggregate classification (germline): Uncertain significance (1 of 4 stars; one submission).

Conditions:
Epidermolysis bullosa simplex 5B, with muscular dystrophy (EBS5B). Also called: Epidermolysis bullosa simplex with muscular dystrophy; EPIDERMOLYSIS BULLOSA SIMPLEX AND LIMB-GIRDLE MUSCULAR DYSTROPHY. Identifiers: Orphanet 257, MedGen C2931072, MONDO:0009181, OMIM 226670.
Epidermolysis bullosa simplex, Ogna type (EBS5A). Also called: Pidermolysis bullosa simplex 5A, Ogna type; EPIDERMOLYSIS BULLOSA SIMPLEX 5A, OGNA TYPE. Identifiers: Orphanet 79401, MedGen C0432317, MONDO:0007555, OMIM 131950.
Epidermolysis bullosa simplex 5C, with pyloric atresia (EBS5C). Also called: Epidermolysis bullosa simplex with pyloric atresia; PLEC-Related Epidermolysis Bullosa with Pyloric Atresia; PLEC1-Related Epidermolysis Bullosa with Pyloric Atresia. Identifiers: Orphanet 158684, MedGen C2677349, MONDO:0012807, OMIM 612138.
Autosomal recessive limb-girdle muscular dystrophy type 2Q (LGMDR17). Also called: MUSCULAR DYSTROPHY, LIMB-GIRDLE, AUTOSOMAL RECESSIVE 17. Identifiers: Orphanet 254361, MedGen C3150989, MONDO:0013390, OMIM 613723.
Epidermolysis bullosa simplex with nail dystrophy (EBS5D). Identifiers: MedGen C4225309, MONDO:0014661, OMIM 616487.

Submission:

Labcorp Genetics (formerly Invitae), Labcorp
Classification: Uncertain significance for Autosomal recessive limb-girdle muscular dystrophy type 2Q; Epidermolysis bullosa simplex, Ogna type; Epidermolysis bullosa simplex with nail dystrophy; Epidermolysis bullosa simplex 5C, with pyloric atresia; Epidermolysis bullosa simplex 5B, with muscular dystrophy. Last evaluated: 2023-12-11. Review status: criteria provided, single submitter. Criteria: Invitae Variant Classification Sherloc (09022015). Collection method: clinical testing. Allele origin: germline.
Comment: This sequence change replaces alanine, which is neutral and non-polar, with aspartic acid, which is acidic and polar, at codon 1470 of the PLEC protein (p.Ala1470Asp). This variant is present in population databases (no rsID available, gnomAD 0.001%). This variant has not been reported in the literature in individuals affected with PLEC-related conditions. ClinVar contains an entry for this variant (Variation ID: 1970349). Experimental studies and prediction algorithms are not available or were not evaluated, and the functional significance of this variant is currently unknown. In summary, the available evidence is currently insufficient to determine the role of this variant in disease. Therefore, it has been classified as a Variant of Uncertain Significance.